The following is an entry in ClinVar:

NM_007194.4(CHEK2):c.1382A>G (p.Asp461Gly)

Gene: CHEK2 (checkpoint kinase 2; minus strand). Cytogenetic location: 22q12.1.
Variant type: single nucleotide variant.
Coding change: c.1382A>G on transcript NM_007194.4 (MANE Select); coding-DNA position 1382, A replaced by G.
Protein change: p.Asp461Gly; replaces aspartic acid 461 with glycine.
Molecular consequence: missense variant.
Genome position (GRCh38, 1-based): chr22:28,694,111, T>C on the plus strand (A>G on the coding strand, the complement: CHEK2 is on the minus strand). VCF-style: chr22-28694111-T-C. GRCh37 (hg19) VCF-style: chr22-29090099-T-C.
Other names: c.1511A>G, p.Asp504Gly (NM_001005735.3); c.719A>G, p.Asp240Gly (NM_001257387.3); c.1181A>G, p.Asp394Gly (NM_001349956.3); c.1295A>G, p.Asp432Gly (NM_145862.3); short protein forms D461G, D240G, D394G, D504G, D432G.
Identifiers: ClinVar variation 481132 (VCV000481132.22), dbSNP rs1555913188, ClinGen allele CA411094527.
Genomic context (GRCh38, chr22:28,694,111, plus strand): 5'-AAGGCTTCTTCTGTCGTAAAACGTGCCTTTGGATCCACTACCAACAACTTCTTGACAAGG[T>C]CCAGAGCTAAAGCAACAATTGGGCAAATCACAGTGAAAAGGATAAATATATTATCAGTAA-3'
Protein context (NP_009125.1, residues 451-471): VWAEVSEKAL[Asp461Gly]LVKKLLVVDP

ClinVar aggregate classification (germline): Uncertain significance. Review status: criteria provided, multiple submitters, no conflicts (2 of 4 stars). 6 submissions from 6 submitters: Uncertain significance (6). Last evaluated 2025-09-30.

Conditions:
Hereditary cancer-predisposing syndrome. Also called: Hereditary Cancer Syndrome; Neoplastic Syndromes, Hereditary; Tumor predisposition; Hereditary neoplastic syndrome. Identifiers: Orphanet 140162, MedGen C0027672, MeSH D009386, MONDO:0015356.
Familial cancer of breast. Also called: BREAST CANCER, FAMILIAL; Hereditary breast cancer; hereditary breast carcinoma. Identifiers: Orphanet 227535, MedGen C0346153, MONDO:0016419, OMIM 114480. Disease mechanism: loss of function.

Allele frequency attached by ClinVar (database versions not stated): gnomAD exomes below 0.00001.
gnomAD v4.1: 3 of 1,593,898 alleles (0.00019%); highest among the groups gnomAD compares: Non-Finnish European, 0.00025%; no homozygotes.

Submissions (6):

Labcorp Genetics (formerly Invitae), Labcorp
Classification: Uncertain significance for Familial cancer of breast. Last evaluated: 2025-09-30. Review status: criteria provided, single submitter. Criteria: Invitae Variant Classification Sherloc (09022015). Collection method: clinical testing. Allele origin: germline.
Comment: This sequence change replaces aspartic acid, which is acidic and polar, with glycine, which is neutral and non-polar, at codon 461 of the CHEK2 protein (p.Asp461Gly). This variant is not present in population databases (gnomAD no frequency). This missense change has been observed in individual(s) with breast cancer (PMID: 29522266). ClinVar contains an entry for this variant (Variation ID: 481132). An algorithm developed to predict the effect of missense changes on protein structure and function (PolyPhen-2) suggests that this variant is likely to be disruptive. In summary, the available evidence is currently insufficient to determine the role of this variant in disease. Therefore, it has been classified as a Variant of Uncertain Significance.

Ambry Genetics
Classification: Uncertain significance for Hereditary cancer-predisposing syndrome. Last evaluated: 2025-08-31. Review status: criteria provided, single submitter. Criteria: Ambry Variant Classification Scheme 2023. Collection method: clinical testing. Allele origin: germline.
Comment: The p.D461G variant (also known as c.1382A>G), located in coding exon 12 of the CHEK2 gene, results from an A to G substitution at nucleotide position 1382. The aspartic acid at codon 461 is replaced by glycine, an amino acid with similar properties. This alteration was reported as functional in a study assessing CHEK2-complementation through quantification of KAP1 phosphorylation and CHK2 autophosphorylation in human RPE1-CHEK2-knockout cells (Stolarova L et al. Clin Cancer Res, 2023 Aug;29:3037-3050). This nucleotide position is highly conserved in available vertebrate species. In silico splice site analysis predicts that this alteration will not have any significant effect on splicing. RNA studies have demonstrated that this alteration results in a splice defect; the clinical impact of this abnormal splicing is unknown at this time (Ambry internal data). This amino acid position is well conserved in available vertebrate species. In addition, this alteration is predicted to be deleterious by in silico analysis. Based on the available evidence, the clinical significance of this variant remains unclear.

Color Diagnostics, LLC DBA Color Health
Classification: Uncertain significance for Hereditary cancer-predisposing syndrome. Last evaluated: 2025-05-08. Review status: criteria provided, single submitter. Criteria: ACMG Guidelines, 2015. Collection method: clinical testing. Allele origin: germline.
Comment: This missense variant replaces aspartic acid with glycine at codon 461 of the CHEK2 protein. Computational prediction is inconclusive regarding the impact of this variant on protein structure and function. A study conducted using CHEK2-complementation assays has shown that this variant did not impact function (PMID: 37449874). This variant has been reported in an individual affected with breast cancer (PMID: 29522266). This variant has not been identified in the general population by the Genome Aggregation Database (gnomAD). The available evidence is insufficient to determine the role of this variant in disease conclusively. Therefore, this variant is classified as a Variant of Uncertain Significance.

Center for Genomic Medicine, Rigshospitalet, Copenhagen University Hospital
Classification: Uncertain significance. Last evaluated: 2025-03-04. Review status: criteria provided, single submitter. Criteria: ACMG Guidelines, 2015. Collection method: clinical testing. Allele origin: germline.

Division of Medical Genetics, University of Washington
Classification: Uncertain significance for Familial cancer of breast. Last evaluated: 2019-09-10. Review status: criteria provided, single submitter. Criteria: ACMG Guidelines, 2015. Collection method: clinical testing. Allele origin: germline. Affected: no. Study: CSER_CHARM.
Comment: To our knowledge, this sequence variant has not been previously reported in the literature. This variant is not present in population databases. In silico analyses indicate this is an evolutionarily conserved residue. Thus, it is unknown at this time whether this variant increases cancer risk.

Mendelics
Classification: Uncertain significance for Familial cancer of breast. Last evaluated: 2018-07-02. Review status: criteria provided, single submitter. Criteria: Mendelics Assertion Criteria 2017. Collection method: clinical testing. Allele origin: unknown.

Literature cited by the submitters: PubMed 29522266 (cited by 3 submitters); PubMed 37449874 (cited by Ambry Genetics and Color Diagnostics, LLC DBA Color Health).